The following is an entry in ClinVar:

ClinVar aggregate classification (germline): Uncertain significance (1 of 4 stars; one submission).

Submission:

GeneDx
Classification: Uncertain significance. Last evaluated: 2022-08-23. Review status: criteria provided, single submitter. Criteria: GeneDx Variant Classification Process June 2021. Collection method: clinical testing. Allele origin: germline. Affected: yes.
Comment: Not observed at significant frequency in large population cohorts (gnomAD); In silico analysis supports that this missense variant does not alter protein structure/function; Has not been previously published as pathogenic or benign to our knowledge

NM_004114.5(FGF13):c.101G>C (p.Gly34Ala)

Gene: FGF13 (fibroblast growth factor 13; minus strand). Cytogenetic location: Xq26.3.
Variant type: single nucleotide variant.
Coding change: c.101G>C on transcript NM_004114.5 (MANE Select); coding-DNA position 101, G replaced by C.
Protein change: p.Gly34Ala; replaces glycine 34 with alanine.
Molecular consequence: missense variant. On other transcripts: intron variant (5).
Genome position (GRCh38, 1-based): chrX:138,710,903, C>G on the plus strand (G>C on the coding strand, the complement: FGF13 is on the minus strand). VCF-style: chrX-138710903-C-G. GRCh37 (hg19) VCF-style: chrX-137793065-C-G.
Other names: c.50-1975G>C (NM_001139498.2); c.218-1975G>C (NM_001139500.2); c.131-1975G>C (NM_001139501.2, NM_001139502.2); c.29-1975G>C (NM_033642.3); short protein forms G34A.
Identifiers: ClinVar variation 2430413 (VCV002430413.1), dbSNP rs2520980223, ClinGen allele CA414463167.